The following is an entry in ClinVar:

ClinVar aggregate classification (germline): Uncertain significance (1 of 4 stars; one submission).

Submission:

GeneDx
Classification: Uncertain significance. Last evaluated: 2023-06-30. Review status: criteria provided, single submitter. Criteria: GeneDx Variant Classification Process June 2021. Collection method: clinical testing. Allele origin: germline. Affected: yes.
Comment: Not observed at significant frequency in large population cohorts (gnomAD); In silico analysis supports that this missense variant has a deleterious effect on protein structure/function; Has not been previously published as pathogenic or benign to our knowledge

NM_001001331.4(ATP2B2):c.3361C>G (p.Arg1121Gly)

Gene: ATP2B2 (ATPase plasma membrane Ca2+ transporting 2; minus strand). Cytogenetic location: 3p25.3.
Variant type: single nucleotide variant.
Coding change: c.3361C>G on transcript NM_001001331.4 (MANE Select); coding-DNA position 3361, C replaced by G.
Protein change: p.Arg1121Gly; replaces arginine 1121 with glycine.
Molecular consequence: missense variant.
Genome position (GRCh38, 1-based): chr3:10,338,235, G>C on the plus strand (C>G on the coding strand, the complement: ATP2B2 is on the minus strand). VCF-style: chr3-10338235-G-C. GRCh37 (hg19) VCF-style: chr3-10379919-G-C.
Other names: c.3226C>G, p.Arg1076Gly (NM_001330611.3, NM_001353564.1, NM_001363862.1 and 1 more transcripts); short protein forms R1076G, R1121G.
Identifiers: ClinVar variation 1806685 (VCV001806685.2), dbSNP rs2470105065, ClinGen allele CA351774635.